The following is an entry in ClinVar:

NM_014305.4(TGDS):c.964G>A (p.Glu322Lys)

Gene: TGDS (TDP-glucose 4,6-dehydratase; minus strand). Cytogenetic location: 13q32.1.
Variant type: single nucleotide variant.
Coding change: c.964G>A on transcript NM_014305.4 (MANE Select); coding-DNA position 964, G replaced by A.
Protein change: p.Glu322Lys; replaces glutamic acid 322 with lysine.
Molecular consequence: missense variant. On other transcripts: non-coding transcript variant (2).
Genome position (GRCh38, 1-based): chr13:94,576,332, C>T on the plus strand (G>A on the coding strand, the complement: TGDS is on the minus strand). VCF-style: chr13-94576332-C-T. GRCh37 (hg19) VCF-style: chr13-95228586-C-T.
Other names: c.868G>A, p.Glu290Lys (NM_001304430.2); short protein forms E290K, E322K.
Identifiers: ClinVar variation 4071469 (VCV004071469.1).

ClinVar aggregate classification (germline): Likely pathogenic (1 of 4 stars; one submission).

Conditions:
Catel-Manzke syndrome. Also called: HYPERPHALANGY-CLINODACTYLY OF INDEX FINGER WITH PIERRE ROBIN SYNDROME; INDEX FINGER ANOMALY WITH PIERRE ROBIN SYNDROME; PIERRE ROBIN SYNDROME WITH HYPERPHALANGY AND CLINODACTYLY; MICROGNATHIA DIGITAL SYNDROME. Identifiers: Orphanet 1388, MedGen C1844887, MONDO:0014507, OMIM 616145.

gnomAD v4.1: 3 of 1,599,176 alleles (0.00019%); highest among the groups gnomAD compares: South Asian, 0.0034%; no homozygotes.

Submission:

Clinical Genetics DNA and cytogenetics Diagnostics Lab, Erasmus MC, Erasmus Medical Center
Classification: Likely pathogenic for Catel-Manzke syndrome. Last evaluated: 2025-06-25. Review status: criteria provided, single submitter. Criteria: ACMG Guidelines, 2015. Collection method: clinical testing. Allele origin: paternal. Inheritance: Autosomal recessive inheritance. Affected: yes. Observed: 2 variant alleles, 1 compound heterozygote.
Comment: ACMG criteria: PM2_mod: present in gnomAD v4.1.0: Allele Count 3, Allele Number: 1599176, No Homozygotes, Allele Frequency: 0.000001876. (probably our patient); PP3-sup ( (PolyPhen2: 0.956, CADD 29,2; SIFT:0.10; Alpha missense: 0.1354); PM3_mod: detected in trans with a variant classified as pathogenic; PS3_mod functionally examined